The following is an entry in ClinVar:

NC_000013.10:g.(?_23869534)_(23869646_?)del

Gene: SGCG (sarcoglycan gamma; plus strand). Cytogenetic location: 13q12.12.
Variant type: Deletion.
Identifiers: ClinVar variation 3244157 (VCV003244157.1).

ClinVar aggregate classification (germline): Pathogenic (1 of 4 stars; one submission).

Conditions:
Autosomal recessive limb-girdle muscular dystrophy type 2C (LGMDR5). Also called: MUSCULAR DYSTROPHY, DUCHENNE-LIKE; MUSCULAR DYSTROPHY, LIMB-GIRDLE, AUTOSOMAL RECESSIVE 5. Identifiers: Orphanet 353, MedGen C0410173, MONDO:0009677, OMIM 253700. Disease mechanism: Affects gamma-sarcoglycan and also disrupts the integrity of the entire sarcoglycan complex..

Submission:

Labcorp Genetics (formerly Invitae), Labcorp
Classification: Pathogenic for Autosomal recessive limb-girdle muscular dystrophy type 2C. Last evaluated: 2023-07-16. Review status: criteria provided, single submitter. Criteria: Invitae Variant Classification Sherloc (09022015). Collection method: clinical testing. Allele origin: unknown.
Comment: This variant is a gross deletion of the genomic region encompassing exon(s) 6 of the SGCG gene. This deletion is out-of-frame, and is expected to create a premature termination codon and result in an absent or disrupted protein product. Loss-of-function variants in SGCG are known to be pathogenic (PMID: 18285821). This variant has not been reported in the literature in individuals affected with SGCG-related conditions. For these reasons, this variant has been classified as Pathogenic.

Literature cited by the submitters: PubMed 18285821.